The following is an entry in ClinVar:

NM_001286704.2(UFM1):c.-273_-271del

Genes: UFM1 (ubiquitin fold modifier 1; plus strand), LOC130009585 (ATAC-STARR-seq lymphoblastoid active region 7595; plus strand). Cytogenetic location: 13q13.3.
Variant type: Deletion.
Coding change: c.-273_-271del on transcript NM_001286704.2; 273 bases upstream of the start codon through 271 bases upstream of the start codon, 3 bases deleted (TCA; older notation c.-273_-271delTCA).
Genome position (GRCh38, 1-based): chr13:38,349,765-38,349,767, TCA deleted. VCF-style (leftmost placement, unchanged base first): chr13-38349764-TTCA-T. GRCh37 (hg19) VCF-style: chr13-38923901-TTCA-T.
Other names: c.-155_-153del (NM_016617.4); c.-155_-153delTCA (NM_016617.4); c.-273_-271delTCA (NM_001286704.1, NM_001286704.2).
Identifiers: ClinVar variation 495149 (VCV000495149.55), dbSNP rs747359907, ClinGen allele CA248784013.
Genomic context (GRCh38, chr13:38,349,764, plus strand): 5'-AAAAGCACAAGATATTTGTAATTTAAAAGCGCCATCTAGCATGAGCTCTTAGGGCCAATT[TTCA>T]GGCAGTGCGTTGGATAGCAACAACTTCGGAGGTCCCCAGATTGCAGAGGGAGACGTGGAC-3'

ClinVar aggregate classification (germline): Pathogenic/Likely pathogenic. Review status: criteria provided, multiple submitters, no conflicts (2 of 4 stars). 16 submissions from 16 submitters: Pathogenic (11); Likely pathogenic (3). 2 of the submissions do not count toward it. Last evaluated 2026-02-01.

Conditions:
Leukodystrophy, hypomyelinating, 14. Identifiers: MedGen C4693535, MONDO:0033486, OMIM 617899.
Hypermetabolism due to defect in mitochondria. Identifiers: MedGen C1855926, MONDO:0009391, OMIM 238800.

Allele frequency attached by ClinVar (database versions not stated): gnomAD 0.00001 and below 0.00001; gnomAD exomes 0.00003.

Submissions (16):

CeGaT Center for Human Genetics Tuebingen
Classification: Pathogenic. Last evaluated: 2026-02-01. Review status: criteria provided, single submitter. Criteria: CeGaT Center For Human Genetics Tuebingen Variant Classification Criteria Version 2. Collection method: clinical testing. Allele origin: germline. Affected: yes. Observed: 12 variant alleles.
Comment: UFM1: PP1:Strong, PM2, PM3, PP4, PS3:Supporting

3billion
Classification: Pathogenic for Leukodystrophy, hypomyelinating, 14. Last evaluated: 2024-12-12. Review status: criteria provided, single submitter. Criteria: ACMG Guidelines, 2015. Collection method: clinical testing. Allele origin: germline. Affected: yes.
Comment: The variant is observed at an extremely low frequency in the gnomAD v4.1.0 dataset (total allele frequency: 0.003%). Predicted Consequence/Location: Non coding variant Functional studies provide moderate evidence of the variant having a damaging effect on the gene or gene product (PMID: 28931644). The variant has been reported to be in trans with a pathogenic variant as either compound heterozygous or homozygous in at least one similarly affected unrelated individual (PMID: 28931644). The variant has been reported at least twice as pathogenic with clinical assertions and evidence for the classification (ClinVar ID: VCV000495149 /PMID: 28931644). Therefore, this variant is classified as Pathogenic according to the recommendation of ACMG/AMP guideline.

Institute of Medical Genetics and Applied Genomics, University Hospital Tübingen
Classification: Pathogenic for Leukodystrophy, hypomyelinating, 14. Last evaluated: 2023-12-12. Review status: criteria provided, single submitter. Criteria: ACMG Guidelines, 2015. Collection method: clinical testing. Allele origin: germline. Inheritance: Autosomal recessive inheritance. Affected: yes.

Institute of Human Genetics, University of Leipzig Medical Center
Classification: Likely pathogenic for Leukodystrophy, hypomyelinating, 14. Last evaluated: 2023-09-13. Review status: criteria provided, single submitter. Criteria: ACMG Guidelines, 2015. Collection method: clinical testing. Allele origin: inherited. Inheritance: Autosomal recessive inheritance. Affected: yes.
Comment: Criteria applied: PS3,PM3,PM2_SUP

Laboratory of Medical Genetics, National & Kapodistrian University of Athens
Classification: Pathogenic for Leukodystrophy, hypomyelinating, 14. Last evaluated: 2022-05-09. Review status: criteria provided, single submitter. Criteria: ACMG Guidelines, 2015. Collection method: clinical testing. Allele origin: germline. Affected: yes.
Comment: PS3, PM2, PP5

Fulgent Genetics
Classification: Pathogenic for Leukodystrophy, hypomyelinating, 14. Last evaluated: 2021-10-21. Review status: criteria provided, single submitter. Criteria: ACMG Guidelines, 2015. Collection method: clinical testing. Allele origin: unknown.

AURAGEN, Plan France Médecine Génomique
Classification: Pathogenic for Hypermetabolism due to defect in mitochondria. Last evaluated: 2021-03-05. Review status: criteria provided, single submitter. Criteria: PFMG2025 (Lancet Reg Health Eur. 2025). Collection method: clinical testing. Allele origin: germline. Affected: yes.

Rady Children's Institute for Genomic Medicine, Rady Children's Hospital San Diego
Classification: Likely pathogenic for LEUKODYSTROPHY, HYPOMYELINATING, 14. Last evaluated: 2020-09-30. Review status: criteria provided, single submitter. Criteria: ACMG Guidelines, 2015. Collection method: clinical testing. Allele origin: germline. Affected: yes.
Comment: This variant is located in the promoter region of UFM1 and has been previously reported as a homozygous change in sixteen patients with hypomyelination with atrophy of the basal ganglia and cerebellum (PMID: 28931644). Most of the patients were from Roma population, and the carrier frequency was as high as 25% in Eastern Slovakia (PMID: 28931644), suggesting a founder effect. In-vitro functional studies using a luciferase assay showed that this variant leads to reduced promoter activity in CNS-derived cell lines (PMID: 28931644). It is absent from the gnomAD population database and thus is presumed to be rare. Based on the available evidence, the c.-273_-271delTCA variant is classified as Likely Pathogenic.

Centre for Mendelian Genomics, University Medical Centre Ljubljana
Classification: Pathogenic for Leukodystrophy, hypomyelinating, 14. Last evaluated: 2018-11-28. Review status: criteria provided, single submitter. Criteria: ACMG Guidelines, 2015. Collection method: clinical testing. Allele origin: unknown. Affected: yes.
Comment: This variant was classified as: Pathogenic. The following ACMG criteria were applied in classifying this variant: PS1,PS3. This variant was detected in homozygous state.

Laboratory of Molecular Genetics (Pr. Bezieau's lab), CHU de Nantes
Classification: Pathogenic. Last evaluated: 2018-09-19. Review status: criteria provided, single submitter. Criteria: ACMG Guidelines, 2015. Collection method: clinical testing. Allele origin: germline. Affected: yes.

CENTOGENE GmbH and LLC - Guiding Precision Medicine
Classification: Pathogenic for Leukodystrophy, hypomyelinating, 14. Review status: criteria provided, single submitter. Criteria: ACMG Guidelines, 2015. Collection method: clinical testing. Allele origin: germline. Affected: yes.

Kasturba Medical College, Manipal, Kasturba Medical College, Manipal, Manipal Academy of Higher Education, Manipal, India
Classification: Pathogenic for Leukodystrophy, hypomyelinating, 14. Review status: criteria provided, single submitter. Criteria: ACMG Guidelines, 2015. Collection method: clinical testing. Allele origin: germline. Inheritance: Autosomal recessive inheritance. Affected: yes. Observed: 1 homozygote.
Comment: Bi-allelic variants in UFM1 are associated with leukodystrophy, hypomyelinating, 14.

Solve-RD Consortium
Classification: Likely pathogenic for Leukodystrophy, hypomyelinating, 14. Review status: criteria provided, single submitter. Criteria: ACMG Guidelines, 2015. Collection method: provider interpretation. Allele origin: germline. Inheritance: Autosomal recessive inheritance. Affected: yes. Study: Solve-RD DIFT-EpiCARE reanalysis.
Comment: PS4, PM3, PP5, PM2

Variant identified during reanalysis of unsolved cases by the Solve-RD project. The Solve-RD project has received funding from the European Union’s Horizon 2020 research and innovation programme under grant agreement No 779257.

Suma Genomics
Classification: Pathogenic for Leukodystrophy, hypomyelinating, 14. Review status: criteria provided, single submitter. Criteria: ACMG Guidelines, 2015. Collection method: clinical testing. Allele origin: inherited. Inheritance: Autosomal recessive inheritance. Affected: yes.

Molecular Genetics laboratory, Necker Hospital
Classification: Pathogenic. Last evaluated: 2020-04-16. Review status: no assertion criteria provided. Collection method: clinical testing. Allele origin: biparental. Affected: yes. Not counted in ClinVar's aggregate classification.

OMIM
Classification: Pathogenic for LEUKODYSTROPHY, HYPOMYELINATING, 14. Last evaluated: 2018-03-06. Review status: no assertion criteria provided. Collection method: literature only. Allele origin: germline. Not counted in ClinVar's aggregate classification.

Literature cited by the submitters: PubMed 28931644 (cited by 3billion and OMIM); PubMed 32860008 (cited by CENTOGENE GmbH and LLC - Guiding Precision Medicine).